The following is an entry in ClinVar:

ClinVar aggregate classification (germline): Conflicting classifications of pathogenicity. Review status: criteria provided, conflicting classifications (1 of 4 stars). 3 submissions from 3 submitters: Uncertain significance (1); Likely benign (1). 1 of the submissions does not count toward it. Last evaluated 2026-01-28.

Conditions:
Hereditary acrodermatitis enteropathica (AEZ). Also called: Acrodermatitis enteropathica. Identifiers: Orphanet 37, MedGen C0221036, MONDO:0008713, OMIM 201100.
SLC39A4-related disorder. Also called: SLC39A4-related condition.

Allele frequency attached by ClinVar (database versions not stated): 1000 Genomes Project 30x 0.00016; 1000 Genomes Project 0.00020; ESP Exome Variant Server 0.00046; TOPMed 0.00065; gnomAD 0.00075 and 0.00076; ExAC 0.00096; gnomAD exomes 0.00110.
gnomAD v4.1: 1,492 of 1,613,296 alleles (0.092%); highest among the groups gnomAD compares: Middle Eastern, 0.12%; 2 homozygotes.

Submissions (3):

Labcorp Genetics (formerly Invitae), Labcorp
Classification: Likely benign. Last evaluated: 2026-01-28. Review status: criteria provided, single submitter. Criteria: Invitae Variant Classification Sherloc (09022015). Collection method: clinical testing. Allele origin: germline.

Illumina Laboratory Services, Illumina
Classification: Uncertain significance for Hereditary acrodermatitis enteropathica. Last evaluated: 2018-01-13. Review status: criteria provided, single submitter. Criteria: ICSL Variant Classification Criteria 13 December 2019. Collection method: clinical testing. Allele origin: germline.

PreventionGenetics, part of Exact Sciences
Classification: Likely benign for SLC39A4-related condition. Last evaluated: 2024-07-17. Review status: no assertion criteria provided. Collection method: clinical testing. Allele origin: germline. Not counted in ClinVar's aggregate classification.
Comment: This variant is classified as likely benign based on ACMG/AMP sequence variant interpretation guidelines (Richards et al. 2015 PMID: 25741868, with internal and published modifications).

NM_130849.4(SLC39A4):c.848C>T (p.Ser283Leu)

Gene: SLC39A4 (solute carrier family 39 member 4; minus strand). Cytogenetic location: 8q24.3.
Variant type: single nucleotide variant.
Coding change: c.848C>T on transcript NM_130849.4 (MANE Select); coding-DNA position 848, C replaced by T.
Protein change: p.Ser283Leu; replaces serine 283 with leucine.
Molecular consequence: missense variant.
Genome position (GRCh38, 1-based): chr8:144,414,853, G>A on the plus strand (C>T on the coding strand, the complement: SLC39A4 is on the minus strand). VCF-style: chr8-144414853-G-A. GRCh37 (hg19) VCF-style: chr8-145640237-G-A.
Other names: c.566C>T, p.Ser189Leu (NM_001374839.1); c.773C>T, p.Ser258Leu (NM_017767.3); short protein forms S258L, S189L, S283L.
Identifiers: ClinVar variation 909870 (VCV000909870.13), dbSNP rs150864996, ClinGen allele CA4941503.